The following is an entry in ClinVar:

NM_000238.4(KCNH2):c.555_569del (p.Gly186_Ala190del)

Gene: KCNH2 (potassium voltage-gated channel subfamily H member 2; minus strand). Cytogenetic location: 7q36.1.
Variant type: Deletion.
Coding change: c.555_569del on transcript NM_000238.4 (MANE Select); coding-DNA positions 555 to 569, 15 bases deleted (GGGCGGCGCGGGCGC).
Protein change: p.Gly186_Ala190del.
Molecular consequence: inframe deletion. On other transcripts: inframe indel (6).
Genome position (GRCh38, 1-based): chr7:150,958,406-150,958,420, GCGCCCGCGCCGCCC deleted on the plus strand (GGGCGGCGCGGGCGC on the coding strand, the reverse complement: KCNH2 is on the minus strand); deleting any 15 consecutive bases within chr7:150,958,406-150,958,425 gives the same sequence; the c. name uses the placement nearest the transcript's 3' end. VCF-style (leftmost placement, unchanged base first): chr7-150958405-GGCGCCCGCGCCGCCC-G. GRCh37 (hg19) VCF-style: chr7-150655493-GGCGCCCGCGCCGCCC-G.
Other names: c.555_569delGGGCGGCGCGGGCGC (NM_000238.3); c.262_276delGGCGCGGGCGGCGCG, p.Gly90_Ala94del (NM_001406753.1, NM_001406756.1); c.373_387delGGCGCGGGCGGCGCG, p.Gly127_Ala131del (NM_001406755.1); c.250_264delGGCGCGGGCGGCGCG, p.Gly86_Ala90del (NM_001406757.1); c.550_564delGGCGCGGGCGGCGCG, p.Gly186_Ala190del (NM_172056.3).
Identifiers: ClinVar variation 456936 (VCV000456936.3), dbSNP rs1554427907, ClinGen allele CA658656015.

ClinVar aggregate classification (germline): Uncertain significance (1 of 4 stars; one submission).

Conditions:
Long QT syndrome (LQTS). Identifiers: MedGen C0023976, MeSH D008133, MONDO:0002442. Disease mechanism: loss of function. Inheritance: Various modes of inheritance.

Submission:

Labcorp Genetics (formerly Invitae), Labcorp
Classification: Uncertain significance for Long QT syndrome. Last evaluated: 2017-06-14. Review status: criteria provided, single submitter. Criteria: Invitae Variant Classification Sherloc (09022015). Collection method: clinical testing. Allele origin: germline.
Comment: This variant, c.555_569del, results in the deletion of 5 amino acids of the KCNH2 protein (p.Gly186_Ala190del), but otherwise preserves the integrity of the reading frame. While this variant is not present in population databases, the frequency information is unreliable, as metrics indicate poor data quality at this position in the ExAC database. This variant has not been reported in the literature in individuals with a KCNH2-related disease. In summary, this variant has uncertain impact on KCNH2 function. The available evidence is currently insufficient to determine its role in disease. Therefore, it has been classified as a Variant of Uncertain Significance.